The following is an entry in ClinVar:

NM_000784.4(CYP27A1):c.1348C>G (p.Leu450Val)

Gene: CYP27A1 (cytochrome P450 family 27 subfamily A member 1; plus strand). Cytogenetic location: 2q35.
Variant type: single nucleotide variant.
Coding change: c.1348C>G on transcript NM_000784.4 (MANE Select); coding-DNA position 1348, C replaced by G.
Protein change: p.Leu450Val; replaces leucine 450 with valine.
Molecular consequence: missense variant.
Genome position (GRCh38, 1-based): chr2:218,814,629, C>G. VCF-style: chr2-218814629-C-G. GRCh37 (hg19) VCF-style: chr2-219679352-C-G.
Other names: short protein forms L450V.
Identifiers: ClinVar variation 1426436 (VCV001426436.5), dbSNP rs1039198612, ClinGen allele CA350594359.
Genomic context (GRCh38, chr2:218,814,629, plus strand): 5'-GTGGTGTCCCGGGACCCCACTGCCTTCTCTGAGCCTGAAAGCTTCCAGCCCCACCGCTGG[C>G]TGAGAAACAGCCAGCCTGCTACCCCCAGGATCCAGCACCCATTTGGCTCTGTGCCCTTTG-3'
Protein context (NP_000775.1, residues 440-460): EPESFQPHRW[Leu450Val]RNSQPATPRI

ClinVar aggregate classification (germline): Uncertain significance (1 of 4 stars; one submission).

Conditions:
Cholestanol storage disease (CTX). Also called: CTX: Cerebrotendinous xanthomatosis; CEREBRAL CHOLESTERINOSIS; Cerebrotendinous Xanthomatosis. Identifiers: Orphanet 909, MedGen C0238052, MONDO:0008948, OMIM 213700.

Submission:

Labcorp Genetics (formerly Invitae), Labcorp
Classification: Uncertain significance for Cholestanol storage disease. Last evaluated: 2022-01-07. Review status: criteria provided, single submitter. Criteria: Invitae Variant Classification Sherloc (09022015). Collection method: clinical testing. Allele origin: germline.
Comment: This sequence change replaces leucine, which is neutral and non-polar, with valine, which is neutral and non-polar, at codon 450 of the CYP27A1 protein (p.Leu450Val). This variant is not present in population databases (gnomAD no frequency). This variant has not been reported in the literature in individuals affected with CYP27A1-related conditions. Algorithms developed to predict the effect of missense changes on protein structure and function are either unavailable or do not agree on the potential impact of this missense change (SIFT: "Deleterious"; PolyPhen-2: "Probably Damaging"; Align-GVGD: "Class C0"). Algorithms developed to predict the effect of sequence changes on RNA splicing suggest that this variant may create or strengthen a splice site. In summary, the available evidence is currently insufficient to determine the role of this variant in disease. Therefore, it has been classified as a Variant of Uncertain Significance.